The following is an entry in ClinVar:

ClinVar aggregate classification (germline): Pathogenic/Likely pathogenic. Review status: criteria provided, multiple submitters, no conflicts (2 of 4 stars). 11 submissions from 11 submitters: Pathogenic (7); Likely pathogenic (3). 1 of the submissions does not count toward it. Last evaluated 2025-10-23.

Conditions:
Autosomal dominant SCN4A-related disorders.
Paramyotonia congenita of Von Eulenburg. Also called: Eulenburg disease; Myotonia congenita intermittens; Von Eulenburg paramyotonia congenita; PARALYSIS PERIODICA PARAMYOTONICA; Paramyotonia Congenita. Identifiers: Orphanet 684, MedGen C0221055, MONDO:0008195, OMIM 168300. Disease mechanism: loss of function.
Congenital myasthenic syndrome 16. Identifiers: Orphanet 590, MedGen C3280112, MONDO:0013620, OMIM 614198.
Congenital myopathy 22B, severe fetal (CMYO22B). Identifiers: MedGen C5830501, MONDO:0957265, OMIM 620369.
Congenital myopathy 22A, classic (CMYO22A). Identifiers: MedGen C5830453, MONDO:0957247, OMIM 620351.
Potassium-aggravated myotonia. Also called: MYOTONIA CONGENITA, ACETAZOLAMIDE-RESPONSIVE; MYOTONIA CONGENITA, ATYPICAL; SODIUM CHANNEL MUSCLE DISEASE; Myotonia congenita, atypical, acetazolamide-responsive. Identifiers: Orphanet 612, Orphanet 99734, Orphanet 99735, Orphanet 99736, MedGen C2931826, MONDO:0018959, OMIM 608390.
Hypokalemic periodic paralysis, type 2 (HOKPP2). Identifiers: Orphanet 681, MedGen C2750061, MONDO:0013234, OMIM 613345.
Hyperkalemic periodic paralysis. Also called: Gamstorp disease; Familial hyperkalemic periodic paralysis. Identifiers: Orphanet 682, MedGen C0238357, MONDO:0008224, OMIM 170500, HP:0007215.

Allele frequency attached by ClinVar (database versions not stated): gnomAD 0.00001 and 0.00002; TOPMed 0.00002; ESP Exome Variant Server 0.00008; gnomAD exomes 0.00001.
gnomAD v4.1: 16 of 1,611,440 alleles (0.00099%); highest among the groups gnomAD compares: Middle Eastern, 0.049%; no homozygotes.

Submissions (11):

Variantyx, Inc.
Classification: Likely pathogenic for Autosomal dominant SCN4A-related disorders. Last evaluated: 2025-10-23. Review status: criteria provided, single submitter. Criteria: Variantyx Assertion Criteria 2022. Collection method: clinical testing. Allele origin: germline. Inheritance: Autosomal dominant inheritance. Affected: yes.
Comment: This is a nonsynonymous variant in the SCN4A gene (OMIM: 603967). Pathogenic variants in this gene have been associated with autosomal dominant SCN4A-related disorders. This variant has been observed to segregate with disease in at least 3 individuals from 2 families, including individuals with severe adult-onset proximal myopathy with electrical myotonia and individuals with mild paramyotonia (PMID: 28024841) (PP1). Functional studies have shown that this variant alters SCN4A protein function (PMID: 28024841) (PS3_Moderate), and the variant lies within the S4 voltage sensor helix of repeat IV of the Nav1.4 channel (PM1). Multiple computational algorithms predict a deleterious effect for this variant (REVEL score: 0.914) (PP3). This variant has a 0.0067% maximum allele frequency in non-founder control populations. Based on the current evidence, this variant is classified as likely pathogenic for autosomal dominant SCN4A-related disorders. Inheritance from an unaffected or mildly affected parent has been reported for variants in this gene, consistent with incomplete penetrance and variable expressivity (PMID: 18162704, 16624558).

Labcorp Genetics (formerly Invitae), Labcorp
Classification: Pathogenic for Hyperkalemic periodic paralysis. Last evaluated: 2025-10-15. Review status: criteria provided, single submitter. Criteria: Invitae Variant Classification Sherloc (09022015). Collection method: clinical testing. Allele origin: germline.
Comment: This sequence change replaces isoleucine, which is neutral and non-polar, with threonine, which is neutral and polar, at codon 1455 of the SCN4A protein (p.Ile1455Thr). This variant is present in population databases (rs377176361, gnomAD 0.002%). This missense change has been observed in individuals with clinical features of proximal myopathy and paramyotonia congenita (PMID: 28024841). It has also been observed to segregate with disease in related individuals. ClinVar contains an entry for this variant (Variation ID: 932430). Invitae Evidence Modeling of protein sequence and biophysical properties (such as structural, functional, and spatial information, amino acid conservation, physicochemical variation, residue mobility, and thermodynamic stability) indicates that this missense variant is expected to disrupt SCN4A protein function with a positive predictive value of 95%. Experimental studies have shown that this missense change affects SCN4A function (PMID: 28024841). For these reasons, this variant has been classified as Pathogenic.

Genomic Medicine Center of Excellence, King Faisal Specialist Hospital and Research Centre
Classification: Likely pathogenic for Hyperkalemic periodic paralysis. Last evaluated: 2025-09-10. Review status: criteria provided, single submitter. Criteria: ACMG Guidelines, 2015. Collection method: clinical testing. Allele origin: germline.

First Genomix Gene Laboratory, Genetic Diagnostics Department
Classification: Pathogenic for Congenital myasthenic syndrome 16; Congenital myopathy 22B, severe fetal; Congenital myopathy 22A, classic. Last evaluated: 2025-07-31. Review status: criteria provided, single submitter. Criteria: ACMG Guidelines, 2015. Collection method: clinical testing. Allele origin: germline. Inheritance: Autosomal recessive inheritance. Affected: no. Observed: 1 variant allele.

GeneDx
Classification: Pathogenic. Last evaluated: 2025-07-17. Review status: criteria provided, single submitter. Criteria: GeneDx Variant Classification Process June 2021. Collection method: clinical testing. Allele origin: germline.
Comment: Reported in an individual with a skeletal muscle channelopathy, however further clinical information was not provided on this individual (PMID: 29606556); Published functional studies demonstrate destabilization in the inactivated state which is a typical pathogenic mechanism for sodium channel myotonia and paramyotonia congenita (PMID: 28024841); In silico analysis supports that this missense variant has a deleterious effect on protein structure/function; Not observed at significant frequency in large population cohorts (gnomAD); This variant is associated with the following publications: (PMID: 31127727, 30420713, 29606556, 36414972, 38877370, 28024841)

Revvity Omics, Revvity
Classification: Likely pathogenic. Last evaluated: 2024-12-21. Review status: criteria provided, single submitter. Criteria: ACMG Guidelines, 2015. Collection method: clinical testing. Allele origin: germline.

Fulgent Genetics
Classification: Pathogenic for Paramyotonia congenita of Von Eulenburg; Hyperkalemic periodic paralysis; Potassium-aggravated myotonia; Hypokalemic periodic paralysis, type 2; Congenital myasthenic syndrome 16; Congenital myopathy 22A, classic; Congenital myopathy 22B, severe fetal. Last evaluated: 2024-05-06. Review status: criteria provided, single submitter. Criteria: ACMG Guidelines, 2015. Collection method: clinical testing. Allele origin: germline.

CeGaT Center for Human Genetics Tuebingen
Classification: Pathogenic. Last evaluated: 2023-03-01. Review status: criteria provided, single submitter. Criteria: CeGaT Center For Human Genetics Tuebingen Variant Classification Criteria Version 2. Collection method: clinical testing. Allele origin: germline. Affected: yes. Observed: 2 variant alleles.
Comment: SCN4A: PM1, PM2, PP1:Moderate, PS4:Moderate, PP3, PP4, PS3:Supporting

Athena Diagnostics
Classification: Pathogenic. Last evaluated: 2022-09-06. Review status: criteria provided, single submitter. Criteria: Athena Diagnostics Criteria. Collection method: clinical testing. Allele origin: unknown.
Comment: The frequency of this variant in the general population is consistent with pathogenicity. This variant has been identified in multiple unrelated individuals with clinical features of myotonia. Additionally, in our internal patient population, this variant is statistically more frequent than in the general population. Assessment of experimental evidence suggests this variant results in abnormal protein function. Functional studies suggest complex effects on SCN4A caused by the variant, including slower current inactivation and decrease in overall current levels (PMID:28024841). The variant is located in a region that is considered important for protein function and/or structure.

HudsonAlpha Institute for Biotechnology
Classification: Pathogenic for Paramyotonia congenita of Von Eulenburg. Last evaluated: 2021-06-18. Review status: criteria provided, single submitter. Criteria: ACMG Guidelines, 2015. Collection method: research. Allele origin: paternal. Affected: yes. Observed: 1 variant allele. Study: CSER-SouthSeq.
Comment: ACMG codes: PS3; PS4M; PM1; PM2; PP1S; PP3; PP5

Pars Genome Lab
Classification: Likely benign for Hypokalemic periodic paralysis, type 2. Review status: flagged submission. Criteria: ACMG Guidelines, 2015. Collection method: clinical testing. Allele origin: germline. Inheritance: Autosomal dominant inheritance. Affected: no. Observed: 1 heterozygote. Not counted in ClinVar's aggregate classification.
ClinVar note: Reason: Outlier claim with insufficient supporting evidence

Literature cited by the submitters: PubMed 28024841 (cited by 3 submitters); PubMed 18162704 (cited by Variantyx, Inc.); PubMed 16624558 (cited by Variantyx, Inc.); PubMed 31127727 (cited by Athena Diagnostics); PubMed 29606556 (cited by Athena Diagnostics).

NM_000334.4(SCN4A):c.4364T>C (p.Ile1455Thr)

Genes: GH-LCR (growth hormone locus control region; plus strand), SCN4A (sodium voltage-gated channel alpha subunit 4; minus strand). Cytogenetic location: 17q23.3.
Variant type: single nucleotide variant.
Coding change: c.4364T>C on transcript NM_000334.4 (MANE Select); coding-DNA position 4364, T replaced by C.
Protein change: p.Ile1455Thr; replaces isoleucine 1455 with threonine.
Molecular consequence: missense variant.
Genome position (GRCh38, 1-based): chr17:63,941,918, A>G on the plus strand (T>C on the coding strand, the complement: SCN4A is on the minus strand). VCF-style: chr17-63941918-A-G. GRCh37 (hg19) VCF-style: chr17-62019278-A-G.
Other names: short protein forms I1455T.
Identifiers: ClinVar variation 932430 (VCV000932430.59), dbSNP rs377176361, ClinGen allele CA292957326.
Genomic context (GRCh38, chr17:63,941,918, plus strand): 5'-AGGGCGAACAGCAGCGTCCGGATGCCCTTGGCCCCGCGGATCAGCCGCAGGACACGCCCA[A>G]TCCGCGCCAGGCGGATCACACGGAACAGCGTGGGTGACACGAAGTACTTCTGGATCAGGT-3'
Protein context (NP_000325.4, residues 1445-1465): TLFRVIRLAR[Ile1455Thr]GRVLRLIRGA